The following is an entry in ClinVar:

NM_001367624.2(ZNF469):c.9384C>T (p.Gly3128=)

Gene: ZNF469 (zinc finger protein 469; plus strand). Cytogenetic location: 16q24.2.
Variant type: single nucleotide variant.
Coding change: c.9384C>T on transcript NM_001367624.2 (MANE Select); coding-DNA position 9384, C replaced by T.
Protein change: p.Gly3128=; no amino-acid change (glycine 3128 retained).
Molecular consequence: synonymous variant.
Genome position (GRCh38, 1-based): chr16:88,436,854, C>T. VCF-style: chr16-88436854-C-T. GRCh37 (hg19) VCF-style: chr16-88503262-C-T.
Other names: NM_001127464.1:c.9300C>T; p.Gly3128=.
Identifiers: ClinVar variation 1766508 (VCV001766508.8), dbSNP rs1244914028, ClinGen allele CA497358240.

ClinVar aggregate classification (germline): Likely benign. Review status: criteria provided, multiple submitters, no conflicts (2 of 4 stars). 3 submissions from 3 submitters: Likely benign (3). Last evaluated 2025-11-26.

Conditions:
Cardiovascular phenotype. Identifiers: MedGen CN230736.

Allele frequency attached by ClinVar (database versions not stated): gnomAD exomes 0.00001.
gnomAD v4.1: 16 of 1,528,848 alleles (0.001%); highest among the groups gnomAD compares: Admixed American, 0.004%; no homozygotes.

Submissions (3):

Mayo Clinic Laboratories, Mayo Clinic
Classification: Likely benign. Last evaluated: 2025-11-26. Review status: criteria provided, single submitter. Criteria: ACMG Guidelines, 2015. Collection method: clinical testing. Allele origin: germline. Observed: 1 variant allele.
Comment: BP4, BP7

Labcorp Genetics (formerly Invitae), Labcorp
Classification: Likely benign. Last evaluated: 2024-02-19. Review status: criteria provided, single submitter. Criteria: Invitae Variant Classification Sherloc (09022015). Collection method: clinical testing. Allele origin: germline.

Ambry Genetics
Classification: Likely benign for Cardiovascular phenotype. Last evaluated: 2019-06-17. Review status: criteria provided, single submitter. Criteria: Ambry Variant Classification Scheme 2023. Collection method: clinical testing. Allele origin: germline.